The following is an entry in ClinVar:

NM_002109.6(HARS1):c.1195-14T>A

Gene: HARS1 (histidyl-tRNA synthetase 1; minus strand). Cytogenetic location: 5q31.3.
Variant type: single nucleotide variant.
Coding change: c.1195-14T>A on transcript NM_002109.6 (MANE Select); 14 bases into the intron before coding-DNA position 1195, T replaced by A.
Molecular consequence: intron variant.
Genome position (GRCh38, 1-based): chr5:140,675,147, A>T on the plus strand (T>A on the coding strand, the complement: HARS1 is on the minus strand). VCF-style: chr5-140675147-A-T. GRCh37 (hg19) VCF-style: chr5-140054732-A-T.
Other names: c.1108-14T>A (NM_001289094.2); c.853-14T>A (NM_001289093.2); c.1015-14T>A (NM_001258042.3); c.1075-14T>A (NM_001258040.3); c.973-14T>A (NM_001289092.2); c.1135-14T>A (NM_001258041.3).
Identifiers: ClinVar variation 2016327 (VCV002016327.4), dbSNP rs2481236708, ClinGen allele CA2580073006.
Genomic context (GRCh38, chr5:140,675,147, plus strand): 5'-GCCACAAGCACCTGTGTCTCCGTGGTCCGTATCTTCTCCTCCAAAGCCTGGGGAAGGGGC[A>T]GATAAAAGAGAGCTGGGCTAACACCTTCAAGGAGCAAACAAAGCAGGCTCTAGTCGGGAT-3'

ClinVar aggregate classification (germline): Uncertain significance (1 of 4 stars; one submission).

Conditions:
Usher syndrome type 3B. Also called: USHER SYNDROME, TYPE IIIB. Identifiers: MedGen C3281066, MONDO:0013788, OMIM 614504.

Submission:

Labcorp Genetics (formerly Invitae), Labcorp
Classification: Uncertain significance for Usher syndrome type 3B. Last evaluated: 2022-07-12. Review status: criteria provided, single submitter. Criteria: Invitae Variant Classification Sherloc (09022015). Collection method: clinical testing. Allele origin: germline.
Comment: In summary, the available evidence is currently insufficient to determine the role of this variant in disease. Therefore, it has been classified as a Variant of Uncertain Significance. Algorithms developed to predict the effect of sequence changes on RNA splicing suggest that this variant may disrupt the consensus splice site. This variant has not been reported in the literature in individuals affected with HARS-related conditions. This variant is not present in population databases (gnomAD no frequency). This sequence change falls in intron 10 of the HARS gene. It does not directly change the encoded amino acid sequence of the HARS protein.